The following is an entry in ClinVar:

ClinVar aggregate classification (germline): Uncertain significance (3 of 4 stars; one submission).

Conditions:
Hereditary thrombocytopenia and hematologic cancer predisposition syndrome. Identifiers: Orphanet 71290, MedGen CN281654, MONDO:0011071.

Submission:

ClinGen Myeloid Malignancy Variant Curation Expert Panel
Classification: Uncertain significance for Hereditary thrombocytopenia and hematologic cancer predisposition syndrome. Last evaluated: 2026-04-29. Review status: reviewed by expert panel. Criteria: ClinGen MyeloMalig ACMG Specifications V3.1. Collection method: curation. Allele origin: germline. Inheritance: Autosomal dominant inheritance.
Comment: NM_001754.5(RUNX1):c.486G>T (p.Arg162Ser) is a missense variant which affects one of the hotspot residues (R162) in the RHD (PM1_strong). This variant is completely absent from all population databases with at least 20x coverage for RUNX1 (PM2_supporting). In summary, the clinical significance of this variant is uncertain. ACMG/AMP criteria applied, as specified by the Myeloid Malignancy Variant Curation Expert Panel for RUNX1: PM1_strong, PM2_supporting.

NM_001754.5(RUNX1):c.486G>T (p.Arg162Ser)

Genes: RUNX1 (RUNX family transcription factor 1; minus strand), RUNX1-AS1 (RUNX1 antisense RNA 1; plus strand). Cytogenetic location: 21q22.12.
Variant type: single nucleotide variant.
Coding change: c.486G>T on transcript NM_001754.5 (MANE Select); coding-DNA position 486, G replaced by T.
Protein change: p.Arg162Ser; replaces arginine 162 with serine.
Molecular consequence: missense variant.
Genome position (GRCh38, 1-based): chr21:34,880,579, C>A on the plus strand (G>T on the coding strand, the complement: RUNX1 is on the minus strand). VCF-style: chr21-34880579-C-A. GRCh37 (hg19) VCF-style: chr21-36252876-C-A.
Other names: NM_001754.5(RUNX1):c.486G>T; p.Arg162Ser; c.405G>T, p.Arg135Ser (NM_001001890.3, NM_001122607.2); short protein forms R162S, R135S.
Identifiers: ClinVar variation 376019 (VCV000376019.5), dbSNP rs1057519749, ClinGen allele CA16602488.